The following is an entry in ClinVar:

NC_000016.10:g.67660378C>G

Genes: ACD (ACD shelterin complex subunit and telomerase recruitment factor; minus strand), LOC130059224 (ATAC-STARR-seq lymphoblastoid silent region 7617; plus strand). Cytogenetic location: 16q22.1.
Variant type: single nucleotide variant.
Genome position: GRCh38 VCF-style: chr16-67660378-C-G. GRCh37 (hg19) VCF-style: chr16-67694281-C-G.
Other names: short protein forms R34P.
Identifiers: ClinVar variation 2808325 (VCV002808325.4), dbSNP rs747050159, ClinGen allele CA396359777.
Genomic context (GRCh38, chr16:67,660,378, plus strand): 5'-GGCCGGAGGAGGAGGCCCCGCCCACGTACACCCCGCGCCTGCGCACGAGGGCGTCCTGCT[C>G]GGGGGCCTGTGTGCAGACTCCCGCTGGTCCACCCCGCTGGTGCACGGGATGCTGGCCCGT-3'

ClinVar aggregate classification (germline): Uncertain significance. Review status: criteria provided, multiple submitters, no conflicts (2 of 4 stars). 2 submissions from 2 submitters: Uncertain significance (2). Last evaluated 2024-11-05.

Conditions:
Dyskeratosis congenita, autosomal dominant 6 (DKCA6). Identifiers: Orphanet 3322, MedGen C4225284, MONDO:0014690, OMIM 616553.
Inborn genetic diseases. Identifiers: MedGen C0950123, MeSH D030342.

Submissions (2):

Ambry Genetics
Classification: Uncertain significance for Inborn genetic diseases. Last evaluated: 2024-11-05. Review status: criteria provided, single submitter. Criteria: Ambry Variant Classification Scheme 2023. Collection method: clinical testing. Allele origin: germline.
Comment: The p.R34P variant (also known as c.101G>C), located in coding exon 1 of the ACD gene, results from a G to C substitution at nucleotide position 101. The arginine at codon 34 is replaced by proline, an amino acid with dissimilar properties. This amino acid position is conserved. In addition, this alteration is predicted to be tolerated by in silico analysis. Based on the available evidence, the clinical significance of this variant remains unclear.

Labcorp Genetics (formerly Invitae), Labcorp
Classification: Uncertain significance for Dyskeratosis congenita, autosomal dominant 6. Last evaluated: 2023-08-01. Review status: criteria provided, single submitter. Criteria: Invitae Variant Classification Sherloc (09022015). Collection method: clinical testing. Allele origin: germline.
Comment: This variant has not been reported in the literature in individuals affected with ACD-related conditions. Algorithms developed to predict the effect of missense changes on protein structure and function output the following: SIFT: "Not Available"; PolyPhen-2: "Benign"; Align-GVGD: "Not Available". The proline amino acid residue is found in multiple mammalian species, which suggests that this missense change does not adversely affect protein function. In summary, the available evidence is currently insufficient to determine the role of this variant in disease. Therefore, it has been classified as a Variant of Uncertain Significance. This variant is not present in population databases (gnomAD no frequency). This sequence change replaces arginine, which is basic and polar, with proline, which is neutral and non-polar, at codon 34 of the ACD protein (p.Arg34Pro).